The following is an entry in ClinVar:

NM_032447.5(FBN3):c.1591+1G>A

Gene: FBN3 (fibrillin 3; minus strand). Cytogenetic location: 19p13.2.
Variant type: single nucleotide variant.
Coding change: c.1591+1G>A on transcript NM_032447.5 (MANE Select); the canonical splice donor site of the intron after coding-DNA position 1591, G replaced by A.
Molecular consequence: splice donor variant.
Genome position (GRCh38, 1-based): chr19:8,135,960, C>T on the plus strand (G>A on the coding strand, the complement: FBN3 is on the minus strand). VCF-style: chr19-8135960-C-T. GRCh37 (hg19) VCF-style: chr19-8200844-C-T.
Other names: c.1591+1G>A (NM_001321431.2).
Identifiers: ClinVar variation 2200594 (VCV002200594.3), dbSNP rs370560077, ClinGen allele CA9153270.

ClinVar aggregate classification (germline): Uncertain significance (1 of 4 stars; one submission).

Allele frequency attached by ClinVar (database versions not stated): ExAC 0.00033; 1000 Genomes Project 30x 0.00047; gnomAD 0.00054; ESP Exome Variant Server 0.00086; gnomAD exomes 0.00006; 1000 Genomes Project 0.00020.
gnomAD v4.1: 171 of 1,498,154 alleles (0.011%); highest among the groups gnomAD compares: African/African-American, 0.2%; 1 homozygote.

Submission:

Labcorp Genetics (formerly Invitae), Labcorp
Classification: Uncertain significance. Last evaluated: 2024-11-27. Review status: criteria provided, single submitter. Criteria: Invitae Variant Classification Sherloc (09022015). Collection method: clinical testing. Allele origin: germline.
Comment: This sequence change affects a donor splice site in intron 13 of the FBN3 gene. It is expected to disrupt RNA splicing. Variants that disrupt the donor or acceptor splice site typically lead to a loss of protein function (PMID: 16199547), however the current clinical and genetic evidence is not sufficient to establish whether loss-of-function variants in FBN3 cause disease. This variant is present in population databases (rs370560077, gnomAD 0.2%), and has an allele count higher than expected for a pathogenic variant. This variant has not been reported in the literature in individuals affected with FBN3-related conditions. ClinVar contains an entry for this variant (Variation ID: 2200594). Algorithms developed to predict the effect of sequence changes on RNA splicing suggest that this variant may disrupt the consensus splice site. In summary, the available evidence is currently insufficient to determine the role of this variant in disease. Therefore, it has been classified as a Variant of Uncertain Significance.

Literature cited by the submitters: PubMed 16199547.